The following is an entry in ClinVar:

ClinVar aggregate classification (germline): Uncertain significance. Review status: criteria provided, multiple submitters, no conflicts (2 of 4 stars). 2 submissions from 2 submitters: Uncertain significance (2). Last evaluated 2025-05-06.

Conditions:
Inborn genetic diseases. Identifiers: MedGen C0950123, MeSH D030342.
Baller-Gerold syndrome (BGS). Also called: CRANIOSYNOSTOSIS WITH RADIAL DEFECTS. Identifiers: Orphanet 1225, MedGen C0265308, MONDO:0009039, OMIM 218600.

Allele frequency attached by ClinVar (database versions not stated): gnomAD exomes below 0.00001; TOPMed 0.00001.
gnomAD v4.1: 3 of 1,611,590 alleles (0.00019%); highest among the groups gnomAD compares: Admixed American, 0.0017%; no homozygotes.

Submissions (2):

Labcorp Genetics (formerly Invitae), Labcorp
Classification: Uncertain significance for Baller-Gerold syndrome. Last evaluated: 2025-05-06. Review status: criteria provided, single submitter. Criteria: Invitae Variant Classification Sherloc (09022015). Collection method: clinical testing. Allele origin: germline.
Comment: This sequence change replaces proline, which is neutral and non-polar, with serine, which is neutral and polar, at codon 545 of the RECQL4 protein (p.Pro545Ser). The frequency data for this variant in the population databases is considered unreliable, as metrics indicate poor data quality at this position in the gnomAD database. This variant has not been reported in the literature in individuals affected with RECQL4-related conditions. ClinVar contains an entry for this variant (Variation ID: 459337). Invitae Evidence Modeling of protein sequence and biophysical properties (such as structural, functional, and spatial information, amino acid conservation, physicochemical variation, residue mobility, and thermodynamic stability) indicates that this missense variant is not expected to disrupt RECQL4 protein function with a negative predictive value of 80%. In summary, the available evidence is currently insufficient to determine the role of this variant in disease. Therefore, it has been classified as a Variant of Uncertain Significance.

Ambry Genetics
Classification: Uncertain significance for Inborn genetic diseases. Last evaluated: 2025-04-10. Review status: criteria provided, single submitter. Criteria: Ambry Variant Classification Scheme 2023. Collection method: clinical testing. Allele origin: germline.
Comment: The p.P545S variant (also known as c.1633C>T), located in coding exon 10 of the RECQL4 gene, results from a C to T substitution at nucleotide position 1633. The proline at codon 545 is replaced by serine, an amino acid with similar properties. This amino acid position is conserved. In addition, this alteration is predicted to be tolerated by in silico analysis. Based on the available evidence, the clinical significance of this variant remains unclear.

NM_004260.4(RECQL4):c.1633C>T (p.Pro545Ser)

Gene: RECQL4 (RecQ like helicase 4; minus strand). Cytogenetic location: 8q24.3.
Variant type: single nucleotide variant.
Coding change: c.1633C>T on transcript NM_004260.4 (MANE Select); coding-DNA position 1633, C replaced by T.
Protein change: p.Pro545Ser; replaces proline 545 with serine.
Molecular consequence: missense variant.
Genome position (GRCh38, 1-based): chr8:144,514,513, G>A on the plus strand (C>T on the coding strand, the complement: RECQL4 is on the minus strand). VCF-style: chr8-144514513-G-A. GRCh37 (hg19) VCF-style: chr8-145739897-G-A.
Other names: short protein forms P545S.
Identifiers: ClinVar variation 459337 (VCV000459337.7), dbSNP rs1398698946, ClinGen allele CA372683089.